The following is an entry in ClinVar:

ClinVar aggregate classification (germline): Uncertain significance. Review status: criteria provided, multiple submitters, no conflicts (2 of 4 stars). 2 submissions from 2 submitters: Uncertain significance (2). Last evaluated 2021-08-13.

Conditions:
Cryptorchidism. Also called: Undescended testes; undescended testicle. Identifiers: MedGen C0010417, MONDO:0009047, OMIM 219050, HP:0000028.
Inborn genetic diseases. Identifiers: MedGen C0950123, MeSH D030342.

Allele frequency attached by ClinVar (database versions not stated): 1000 Genomes Project 30x 0.00016; 1000 Genomes Project 0.00020; gnomAD 0.00027; ESP Exome Variant Server 0.00031.

Submissions (2):

Ambry Genetics
Classification: Uncertain significance for Inborn genetic diseases. Last evaluated: 2021-08-13. Review status: criteria provided, single submitter. Criteria: Ambry Variant Classification Scheme 2023. Collection method: clinical testing. Allele origin: germline.

Victorian Clinical Genetics Services, Murdoch Childrens Research Institute
Classification: Uncertain significance for Cryptorchidism. Last evaluated: 2021-05-06. Review status: criteria provided, single submitter. Criteria: ACMG Guidelines, 2015. Collection method: clinical testing. Allele origin: germline. Inheritance: Autosomal dominant inheritance.
Comment: Based on the classification scheme VCGS_Germline_v1.3.4, this variant is classified as 3B-VUS. Following criteria are met: 0105 - The mechanism of disease for this gene is not clearly established. (I) 0107 - This gene is associated with autosomal dominant disease. (I) 0200 - Variant is predicted to result in a missense amino acid change from arginine to leucine. (I) 0219 - This variant encodes a different missense (NM_001265587.1(INSL3):c.286G>T; p.(Val96Leu)) in an alternative transcript, due to alternative exon splicing leading to a shifted reading frame. (I) 0251 - This variant is heterozygous. (I) 0302 - Variant is present in gnomAD (v3) <0.001 for a dominant condition (39 heterozygotes, 0 homozygotes). (SP) 0309 - An alternative amino acid change at the same position has been observed in gnomAD (v2) (1 heterozygote, 0 homozygotes). (I) 0600 - Variant is located in the annotated IlGF relaxin like domain (NCBI). (I) 0502 - Missense variant with conflicting in silico predictions and uninformative conservation. (I) 0705 - No comparable missense variants have previous evidence for pathogenicity. (I) 0807 - This variant has no previous evidence of pathogenicity. (I) 0905 - No published segregation evidence has been identified for this variant. (I) 1007 - No published functional evidence has been identified for this variant. (I) 1208 - Inheritance information for this variant is not currently available in this individual. (I) Legend: (SP) - Supporting pathogenic, (I) - Information, (SB) - Supporting benign

NM_005543.4(INSL3):c.191G>T (p.Arg64Leu)

Gene: INSL3 (insulin like 3; minus strand). Cytogenetic location: 19p13.11.
Variant type: single nucleotide variant.
Coding change: c.191G>T on transcript NM_005543.4 (MANE Select); coding-DNA position 191, G replaced by T.
Protein change: p.Arg64Leu; replaces arginine 64 with leucine.
Molecular consequence: missense variant.
Genome position (GRCh38, 1-based): chr19:17,817,059, C>A on the plus strand (G>T on the coding strand, the complement: INSL3 is on the minus strand). VCF-style: chr19-17817059-C-A. GRCh37 (hg19) VCF-style: chr19-17927868-C-A.
Other names: c.191G>T (NM_005543.2); c.286G>T, p.Val96Leu (NM_001265587.2); short protein forms R64L, V96L.
Identifiers: ClinVar variation 1806185 (VCV001806185.2), dbSNP rs151110387, ClinGen allele CA9301259.